The following is an entry in ClinVar:

ClinVar aggregate classification (germline): Likely benign (1 of 4 stars; one submission).

Allele frequency attached by ClinVar (database versions not stated): gnomAD exomes 0.03950; gnomAD 0.04297 and 0.04336; 1000 Genomes Project 0.04636; 1000 Genomes Project 30x 0.04891; TOPMed 0.06249.
gnomAD v4.1: 18,630 of 456,187 alleles (4.1%); highest among the groups gnomAD compares: Admixed American, 26%; 860 homozygotes.

Submission:

GeneDx
Classification: Likely benign. Last evaluated: 2018-06-16. Review status: criteria provided, single submitter. Criteria: GeneDx Variant Classification (06012015). Collection method: clinical testing. Allele origin: germline. Affected: yes.
Comment: This variant is considered likely benign or benign based on one or more of the following criteria: it is a conservative change, it occurs at a poorly conserved position in the protein, it is predicted to be benign by multiple in silico algorithms, and/or has population frequency not consistent with disease.

NM_001015877.2(PHF6):c.419-145T>C

Gene: PHF6 (PHD finger protein 6; plus strand). Cytogenetic location: Xq26.2.
Variant type: single nucleotide variant.
Coding change: c.419-145T>C on transcript NM_001015877.2 (MANE Select); 145 bases into the intron before coding-DNA position 419, T replaced by C.
Molecular consequence: intron variant.
Genome position (GRCh38, 1-based): chrX:134,413,346, T>C. VCF-style: chrX-134413346-T-C. GRCh37 (hg19) VCF-style: chrX-133547376-T-C.
Other names: c.419-145T>C (NM_032458.3); c.419-142T>C (NM_032335.3).
Identifiers: ClinVar variation 667852 (VCV000667852.1), dbSNP rs4830285, ClinGen allele CA336029317.